The following is an entry in ClinVar:

ClinVar aggregate classification (germline): Uncertain significance (1 of 4 stars; one submission).

Conditions:
Congenital myotonia, autosomal dominant form (THD). Also called: THOMSEN DISEASE; Myotonia congenita autosomal dominant. Identifiers: Orphanet 614, MedGen C2936781, MONDO:0008055, OMIM 160800.
Congenital myotonia, autosomal recessive form. Also called: BECKER DISEASE; Becker Generalized Myotonia; myotonia congenita, autosomal recessive. Identifiers: Orphanet 614, MedGen C0751360, MONDO:0009715, OMIM 255700.

Allele frequency attached by ClinVar (database versions not stated): gnomAD exomes below 0.00001; TOPMed below 0.00001; ExAC 0.00001; gnomAD 0.00001; ESP Exome Variant Server 0.00008.

Submission:

Labcorp Genetics (formerly Invitae), Labcorp
Classification: Uncertain significance for Congenital myotonia, autosomal recessive form; Congenital myotonia, autosomal dominant form. Last evaluated: 2024-01-28. Review status: criteria provided, single submitter. Criteria: Invitae Variant Classification Sherloc (09022015). Collection method: clinical testing. Allele origin: germline.
Comment: This sequence change affects codon 328 of the CLCN1 mRNA. It is a 'silent' change, meaning that it does not change the encoded amino acid sequence of the CLCN1 protein. This variant is present in population databases (rs375215812, gnomAD 0.0009%). This variant has not been reported in the literature in individuals affected with CLCN1-related conditions. Algorithms developed to predict the effect of sequence changes on RNA splicing suggest that this variant may disrupt the consensus splice site. In summary, the available evidence is currently insufficient to determine the role of this variant in disease. Therefore, it has been classified as a Variant of Uncertain Significance.

NM_000083.3(CLCN1):c.984C>T (p.Thr328=)

Gene: CLCN1 (chloride voltage-gated channel 1; plus strand). Cytogenetic location: 7q34.
Variant type: single nucleotide variant.
Coding change: c.984C>T on transcript NM_000083.3 (MANE Select); coding-DNA position 984, C replaced by T.
Protein change: p.Thr328=; no amino-acid change (threonine 328 retained).
Molecular consequence: synonymous variant. On other transcripts: non-coding transcript variant (1).
Genome position (GRCh38, 1-based): chr7:143,331,236, C>T. VCF-style: chr7-143331236-C-T. GRCh37 (hg19) VCF-style: chr7-143028329-C-T.
Identifiers: ClinVar variation 2928994 (VCV002928994.3), dbSNP rs375215812, ClinGen allele CA4537202.